The following is an entry in ClinVar:

NM_000352.6(ABCC8):c.107A>G (p.His36Arg)

Gene: ABCC8 (ATP binding cassette subfamily C member 8; minus strand). Cytogenetic location: 11p15.1.
Variant type: single nucleotide variant.
Coding change: c.107A>G on transcript NM_000352.6 (MANE Select); coding-DNA position 107, A replaced by G.
Protein change: p.His36Arg; replaces histidine 36 with arginine.
Molecular consequence: missense variant. On other transcripts: non-coding transcript variant (1).
Genome position (GRCh38, 1-based): chr11:17,476,670, T>C on the plus strand (A>G on the coding strand, the complement: ABCC8 is on the minus strand). VCF-style: chr11-17476670-T-C. GRCh37 (hg19) VCF-style: chr11-17498217-T-C.
Other names: NM_001287174.3:c.107A>G; c.107A>G, p.His36Arg (NM_001287174.3, NM_001351295.2, NM_001351296.2 and 1 more transcripts); short protein forms H36R.
Identifiers: ClinVar variation 2576217 (VCV002576217.1), dbSNP rs1468544724, ClinGen allele CA379789969.
Genomic context (GRCh38, chr11:17,476,670, plus strand): 5'-GCTCGCTGCGCGCACTCACCAATGAAGAGGATGGGGAAGGTGATGAAGAGTAGGAAGACG[T>C]GCGGCACCACGTTGAGCGCGTCCACAAAGCAGCCGTTGTTGAGGACCCCCTGGTCCACCC-3'
Protein context (NP_000343.2, residues 26-46): CFVDALNVVP[His36Arg]VFLLFITFPI

ClinVar aggregate classification (germline): Uncertain significance (1 of 4 stars; one submission).

Conditions:
Hyperinsulinemic hypoglycemia, familial, 1 (HHF1). Also called: HYPERINSULINISM, FAMILIAL, WITH PANCREATIC NESIDIOBLASTOSIS; HYPOGLYCEMIA, HYPERINSULINEMIC, OF INFANCY; Persistent Hyperinsulinemia Hypoglycemia of Infancy; NESIDIOBLASTOSIS OF PANCREAS; Persistent hyperinsulinemic hypoglycemia of infancy. Identifiers: Orphanet 276575, Orphanet 276598, MedGen C2931832, MONDO:0009734, OMIM 256450.

Allele frequency attached by ClinVar (database versions not stated): gnomAD exomes below 0.00001.
gnomAD v4.1: 6 of 1,612,316 alleles (0.00037%); highest among the groups gnomAD compares: Non-Finnish European, 0.00051%; no homozygotes.

Submission:

Broad Center for Mendelian Genomics, Broad Institute of MIT and Harvard
Classification: Uncertain significance for Hyperinsulinemic hypoglycemia, familial, 1. Last evaluated: 2023-08-16. Review status: criteria provided, single submitter. Criteria: ACMG Guidelines, 2015. Collection method: curation. Allele origin: germline. Inheritance: Autosomal recessive inheritance.
Comment: The p.His36Arg variant in ABCC8 has been reported in one individual, in the compound heterozygous state, with hyperinsulinemic hypoglycemia (PMID: 21378087, 25931474, 27334808), and has been identified in 0.001% (1/109796) of European (Non-Finnish) chromosomes by the Genome Aggregation Database (gnomAD; dbSNP {rs1468544724}). Although this variant has been seen in the general population in a heterozygous state, its frequency is low enough to be consistent with a recessive carrier frequency. Computational prediction tools and conservation analyses suggest that this variant may impact the protein, though this information is not predictive enough to determine pathogenicity. In summary, while there is some suspicion for a pathogenic role, the clinical significance of the p.His36Arg variant is uncertain. ACMG/AMP Criteria applied: PM2_supporting, PM3, PP3 (Richards 2015).